The following is an entry in ClinVar:

NM_014263.4(YME1L1):c.1675A>G (p.Ile559Val)

Gene: YME1L1 (YME1 like 1 ATPase; minus strand). Cytogenetic location: 10p12.1.
Variant type: single nucleotide variant.
Coding change: c.1675A>G on transcript NM_014263.4 (MANE Select); coding-DNA position 1675, A replaced by G.
Protein change: p.Ile559Val; replaces isoleucine 559 with valine.
Molecular consequence: missense variant.
Genome position (GRCh38, 1-based): chr10:27,117,620, T>C on the plus strand (A>G on the coding strand, the complement: YME1L1 is on the minus strand). VCF-style: chr10-27117620-T-C. GRCh37 (hg19) VCF-style: chr10-27406549-T-C.
Other names: c.1576A>G, p.Ile526Val (NM_001253866.2); c.1846A>G, p.Ile616Val (NM_139312.3); c.1846A>G (NM_139312.1); short protein forms I526V, I559V, I616V.
Identifiers: ClinVar variation 1951666 (VCV001951666.6), dbSNP rs200047558, ClinGen allele CA5449276.

ClinVar aggregate classification (germline): Uncertain significance. Review status: criteria provided, multiple submitters, no conflicts (2 of 4 stars). 2 submissions from 2 submitters: Uncertain significance (2). Last evaluated 2025-03-27.

Allele frequency attached by ClinVar (database versions not stated): TOPMed below 0.00001; gnomAD 0.00002; gnomAD exomes 0.00003; ExAC 0.00005.
gnomAD v4.1: 51 of 1,614,088 alleles (0.0032%); highest among the groups gnomAD compares: South Asian, 0.0099%; no homozygotes.

Submissions (2):

Ambry Genetics
Classification: Uncertain significance. Last evaluated: 2025-03-27. Review status: criteria provided, single submitter. Criteria: Ambry Variant Classification Scheme 2023. Collection method: clinical testing. Allele origin: germline.

Labcorp Genetics (formerly Invitae), Labcorp
Classification: Uncertain significance. Last evaluated: 2022-09-21. Review status: criteria provided, single submitter. Criteria: Invitae Variant Classification Sherloc (09022015). Collection method: clinical testing. Allele origin: germline.
Comment: In summary, the available evidence is currently insufficient to determine the role of this variant in disease. Therefore, it has been classified as a Variant of Uncertain Significance. Algorithms developed to predict the effect of missense changes on protein structure and function are either unavailable or do not agree on the potential impact of this missense change (SIFT: "Tolerated"; PolyPhen-2: "Possibly Damaging"; Align-GVGD: "Class C15"). This variant has not been reported in the literature in individuals affected with YME1L1-related conditions. This variant is present in population databases (rs200047558, gnomAD 0.007%). This sequence change replaces isoleucine, which is neutral and non-polar, with valine, which is neutral and non-polar, at codon 616 of the YME1L1 protein (p.Ile616Val).